The following is an entry in ClinVar:

NM_006015.6(ARID1A):c.5542G>T (p.Gly1848Trp)

Gene: ARID1A (AT-rich interaction domain 1A; plus strand). Cytogenetic location: 1p36.11.
Variant type: single nucleotide variant.
Coding change: c.5542G>T on transcript NM_006015.6 (MANE Select); coding-DNA position 5542, G replaced by T.
Protein change: p.Gly1848Trp; replaces glycine 1848 with tryptophan.
Molecular consequence: missense variant.
Genome position (GRCh38, 1-based): chr1:26,779,440, G>T. VCF-style: chr1-26779440-G-T. GRCh37 (hg19) VCF-style: chr1-27105931-G-T.
Other names: c.4891G>T, p.Gly1631Trp (NM_139135.4); short protein forms G1848W, G1631W.
Identifiers: ClinVar variation 287961 (VCV000287961.10), dbSNP rs140055856, ClinGen allele CA707708.

ClinVar aggregate classification (germline): Likely benign. Review status: criteria provided, multiple submitters, no conflicts (2 of 4 stars). 3 submissions from 3 submitters: Likely benign (3). Last evaluated 2025-03-19.

Allele frequency attached by ClinVar (database versions not stated): TOPMed 0.00003.
gnomAD v4.1: 46 of 1,613,916 alleles (0.0029%); highest among the groups gnomAD compares: Admixed American, 0.02%; no homozygotes.

Submissions (3):

Labcorp Genetics (formerly Invitae), Labcorp
Classification: Likely benign. Last evaluated: 2025-03-19. Review status: criteria provided, single submitter. Criteria: Invitae Variant Classification Sherloc (09022015). Collection method: clinical testing. Allele origin: germline.

GeneDx
Classification: Likely benign. Last evaluated: 2020-04-07. Review status: criteria provided, single submitter. Criteria: GeneDx Variant Classification Process June 2021. Collection method: clinical testing. Allele origin: germline. Affected: yes.
Comment: This variant is associated with the following publications: (PMID: 22980975)

Eurofins Ntd Llc (ga)
Classification: Likely benign. Last evaluated: 2016-06-22. Review status: criteria provided, single submitter. Criteria: EGL Classification Definitions 2015. Collection method: clinical testing. Allele origin: germline. Observed: 2 variant alleles, 2 heterozygotes.